The following is an entry in ClinVar:

ClinVar aggregate classification (germline): Uncertain significance (1 of 4 stars; one submission).

Submission:

CeGaT Center for Human Genetics Tuebingen
Classification: Uncertain significance. Last evaluated: 2025-02-01. Review status: criteria provided, single submitter. Criteria: CeGaT Center For Human Genetics Tuebingen Variant Classification Criteria Version 2. Collection method: clinical testing. Allele origin: germline. Affected: yes. Observed: 1 variant allele.
Comment: GAA: PM2, PM5:Supporting

NM_000152.5(GAA):c.1333G>T (p.Ala445Ser)

Gene: GAA (alpha glucosidase; plus strand). Cytogenetic location: 17q25.3.
Variant type: single nucleotide variant.
Coding change: c.1333G>T on transcript NM_000152.5 (MANE Select); coding-DNA position 1333, G replaced by T.
Protein change: p.Ala445Ser; replaces alanine 445 with serine.
Molecular consequence: missense variant.
Genome position (GRCh38, 1-based): chr17:80,109,951, G>T. VCF-style: chr17-80109951-G-T. GRCh37 (hg19) VCF-style: chr17-78083750-G-T.
Other names: c.1333G>T, p.Ala445Ser (NM_001079803.3, NM_001079804.3, NM_001406741.1 and 1 more transcripts); short protein forms A445S.
Identifiers: ClinVar variation 3772611 (VCV003772611.13).